The following is an entry in ClinVar:

ClinVar aggregate classification (germline): Uncertain significance (1 of 4 stars; one submission).

Submission:

GeneDx
Classification: Uncertain significance. Last evaluated: 2026-03-24. Review status: criteria provided, single submitter. Criteria: GeneDx Variant Classification Process June 2021. Collection method: clinical testing. Allele origin: germline.
Comment: Not observed at significant frequency in large population cohorts (gnomAD); In silico analysis suggests that this missense variant does not alter protein structure/function; Has not been previously published as pathogenic or benign to our knowledge

NM_016188.5(ACTL6B):c.735G>C (p.Lys245Asn)

Gene: ACTL6B (actin like 6B; minus strand). Cytogenetic location: 7q22.1.
Variant type: single nucleotide variant.
Coding change: c.735G>C on transcript NM_016188.5 (MANE Select); coding-DNA position 735, G replaced by C.
Protein change: p.Lys245Asn; replaces lysine 245 with asparagine.
Molecular consequence: missense variant. On other transcripts: non-coding transcript variant (1).
Genome position (GRCh38, 1-based): chr7:100,647,468, C>G on the plus strand (G>C on the coding strand, the complement: ACTL6B is on the minus strand). VCF-style: chr7-100647468-C-G. GRCh37 (hg19) VCF-style: chr7-100245091-C-G.
Other names: short protein forms K245N.
Identifiers: ClinVar variation 5017058 (VCV005017058.1).